The following is an entry in ClinVar:

ClinVar aggregate classification (germline): Uncertain significance (1 of 4 stars; one submission).

Submission:

Ambry Genetics
Classification: Uncertain significance. Last evaluated: 2024-12-10. Review status: criteria provided, single submitter. Criteria: Ambry Variant Classification Scheme 2023. Collection method: clinical testing. Allele origin: germline.
Comment: The p.H555R variant (also known as c.1664A>G), located in coding exon 8 of the ATRIP gene, results from an A to G substitution at nucleotide position 1664. The histidine at codon 555 is replaced by arginine, an amino acid with highly similar properties. This amino acid position is conserved. In addition, this alteration is predicted to be tolerated by in silico analysis. Based on the available evidence, the clinical significance of this variant remains unclear.

NM_130384.3(ATRIP):c.1664A>G (p.His555Arg)

Genes: ATRIP (ATR interacting protein; plus strand), ATRIP-TREX1 (ATRIP-TREX1 readthrough; plus strand). Cytogenetic location: 3p21.31.
Variant type: single nucleotide variant.
Coding change: c.1664A>G on transcript NM_130384.3 (MANE Select); coding-DNA position 1664, A replaced by G.
Protein change: p.His555Arg; replaces histidine 555 with arginine.
Molecular consequence: missense variant. On other transcripts: non-coding transcript variant (1).
Genome position (GRCh38, 1-based): chr3:48,460,718, A>G. VCF-style: chr3-48460718-A-G. GRCh37 (hg19) VCF-style: chr3-48502117-A-G.
Other names: c.1283A>G, p.His428Arg (NM_001271022.2); c.1385A>G, p.His462Arg (NM_001271023.2); c.1664A>G, p.His555Arg (NM_032166.4); short protein forms H555R, H462R, H428R.
Identifiers: ClinVar variation 3465311 (VCV003465311.1).
Genomic context (GRCh38, chr3:48,460,718, plus strand): 5'-AGCACCCACTGTTGAAGATGCTTCTTCACCTGTTGGCTTTCTCTTCTGCAGCAACAGGTC[A>G]CCTTCAAGCCAGTGTCCTGACCCAGTGCCTTAAGGTTTTGGTGAAATTAGCCGAAAACAC-3'
Protein context (NP_569055.1, residues 545-565): LLAFSSAATG[His555Arg]LQASVLTQCL